The following is an entry in ClinVar:

ClinVar aggregate classification (germline): Uncertain significance (1 of 4 stars; one submission).

Conditions:
Mitochondrial complex II deficiency, nuclear type 1. Also called: SUCCINATE CoQ REDUCTASE DEFICIENCY. Identifiers: Orphanet 3208, MedGen C5700310, MONDO:0100294, OMIM 252011.
Pheochromocytoma/paraganglioma syndrome 5. Also called: Paragangliomas 5; SDHA-Related Hereditary Paraganglioma-Pheochromocytoma Syndrome. Identifiers: Orphanet 29072, MedGen C3279992, MONDO:0013602, OMIM 614165.

Submission:

Labcorp Genetics (formerly Invitae), Labcorp
Classification: Uncertain significance for Pheochromocytoma/paraganglioma syndrome 5; Mitochondrial complex II deficiency, nuclear type 1. Last evaluated: 2025-08-01. Review status: criteria provided, single submitter. Criteria: Invitae Variant Classification Sherloc (09022015). Collection method: clinical testing. Allele origin: germline.
Comment: This sequence change replaces leucine, which is neutral and non-polar, with glutamine, which is neutral and polar, at codon 576 of the SDHA protein (p.Leu576Gln). This variant is not present in population databases (gnomAD no frequency). This variant has not been reported in the literature in individuals affected with SDHA-related conditions. Invitae Evidence Modeling of protein sequence and biophysical properties (such as structural, functional, and spatial information, amino acid conservation, physicochemical variation, residue mobility, and thermodynamic stability) indicates that this missense variant is not expected to disrupt SDHA protein function with a negative predictive value of 95%. In summary, the available evidence is currently insufficient to determine the role of this variant in disease. Therefore, it has been classified as a Variant of Uncertain Significance.

NM_004168.4(SDHA):c.1727T>A (p.Leu576Gln)

Gene: SDHA (succinate dehydrogenase complex flavoprotein subunit A; plus strand). Cytogenetic location: 5p15.33.
Variant type: single nucleotide variant.
Coding change: c.1727T>A on transcript NM_004168.4 (MANE Select); coding-DNA position 1727, T replaced by A.
Protein change: p.Leu576Gln; replaces leucine 576 with glutamine.
Molecular consequence: missense variant. On other transcripts: intron variant (1).
Genome position (GRCh38, 1-based): chr5:251,401, T>A. VCF-style: chr5-251401-T-A. GRCh37 (hg19) VCF-style: chr5-251516-T-A.
Other names: c.1583T>A, p.Leu528Gln (NM_001294332.2); c.1552-2992T>A (NM_001330758.2); short protein forms L528Q, L576Q.
Identifiers: ClinVar variation 4782518 (VCV004782518.1).